The following is an entry in ClinVar:

NM_001039753.4(EML6):c.2528G>T (p.Trp843Leu)

Gene: EML6 (EMAP like 6; plus strand). Cytogenetic location: 2p16.1.
Variant type: single nucleotide variant.
Coding change: c.2528G>T on transcript NM_001039753.4 (MANE Select); coding-DNA position 2528, G replaced by T.
Protein change: p.Trp843Leu; replaces tryptophan 843 with leucine.
Molecular consequence: missense variant.
Genome position (GRCh38, 1-based): chr2:54,891,143, G>T. VCF-style: chr2-54891143-G-T. GRCh37 (hg19) VCF-style: chr2-55118280-G-T.
Other names: short protein forms W843L.
Identifiers: ClinVar variation 2445997 (VCV002445997.3), dbSNP rs1316041037, ClinGen allele CA346879102.
Genomic context (GRCh38, chr2:54,891,143, plus strand): 5'-AGTGTAACCCACACCATGTTGACAAACTGGTTACAGTTGGGATAAAACACATCAAATTCT[G>T]GCAACAAGCAGGTACTGTCGTTTGGGTTTATCATTTATGTGATTGAGAGCTTTACCCTAG-3'
Protein context (NP_001034842.2, residues 833-853): VTVGIKHIKF[Trp843Leu]QQAGGGFTSK

ClinVar aggregate classification (germline): Uncertain significance (0 of 4 stars; one submission).

Conditions:
Keratoconus (KC). Identifiers: MedGen C0022578, MeSH D007640, MONDO:0015486, HP:0000563.

Allele frequency attached by ClinVar (database versions not stated): TOPMed below 0.00001; gnomAD 0.00002.
gnomAD v4.1: 17 of 1,469,922 alleles (0.0012%); highest among the groups gnomAD compares: East Asian, 0.03%; no homozygotes.

Submission:

Refractive Surgery Department, Bright Eye Hospital
Classification: Uncertain significance for Keratoconus. Last evaluated: 2024-05-10. Review status: no assertion criteria provided. Collection method: clinical testing. Allele origin: inherited. Affected: yes. Observed: 2 variant alleles, 2 heterozygotes.
Comment: EML6 is a large protein (1958 aa) in the microtubule-associated protein family. The effect of microtubules on protein traffic as well as the function of EML6 in the eye are not fully known.27 However, a study demonstrated an association between genome-wide association studies and refractive errors (especially astigmatism). KC patients usually have astigmatism, and this is also an important clinical indicator for monitoring the pathologic process.28 In 2021, Shinde et al.29 revealed that EML6 exists in the corneal epithelium and stroma and identified two heterozygous missense variations in the Tryp-Asp (WD) dipeptide repeat domains. Furthermore, the immunocytochemistrical feature of the corneal cytoskeletal structure in KC patients was investigated in their study, which showed that EML6 may exist in the microtubules of the cytoskeletal network of cultured keratocytes. This is a very important finding because EML1–4 and not EML5 and 6 are reportedly related to the microtubule and its regulation. In this study, a missense mutation (g.55118280G>T, c.2528G>T, p.Trp843Leu) was detected and was predicted as probably damaging.